The following is an entry in ClinVar:

NM_001844.5(COL2A1):c.3376G>A (p.Glu1126Lys)

Gene: COL2A1 (collagen type II alpha 1 chain; minus strand). Cytogenetic location: 12q13.11.
Variant type: single nucleotide variant.
Coding change: c.3376G>A on transcript NM_001844.5 (MANE Select); coding-DNA position 3376, G replaced by A.
Protein change: p.Glu1126Lys; replaces glutamic acid 1126 with lysine.
Molecular consequence: missense variant.
Genome position (GRCh38, 1-based): chr12:47,976,871, C>T on the plus strand (G>A on the coding strand, the complement: COL2A1 is on the minus strand). VCF-style: chr12-47976871-C-T. GRCh37 (hg19) VCF-style: chr12-48370654-C-T.
Other names: c.3169G>A, p.Glu1057Lys (NM_033150.3); short protein forms E1126K, E1057K.
Identifiers: ClinVar variation 844122 (VCV000844122.12), dbSNP rs762592219, ClinGen allele CA6534777.

ClinVar aggregate classification (germline): Uncertain significance. Review status: criteria provided, multiple submitters, no conflicts (2 of 4 stars). 3 submissions from 3 submitters: Uncertain significance (3). Last evaluated 2025-03-27.

Conditions:
COL2A1-related disorder. Also called: COL2A1-related condition; COL2A1-related disorders.

Allele frequency attached by ClinVar (database versions not stated): gnomAD exomes below 0.00001; ExAC 0.00001; gnomAD 0.00001; TOPMed 0.00001.
gnomAD v4.1: 7 of 1,612,522 alleles (0.00043%); highest among the groups gnomAD compares: African/African-American, 0.004%; no homozygotes.

Submissions (3):

PreventionGenetics, part of Exact Sciences
Classification: Uncertain significance for COL2A1-related condition. Last evaluated: 2025-03-27. Review status: criteria provided, single submitter. Criteria: ACMG Guidelines, 2015. Collection method: clinical testing. Allele origin: germline.
Comment: The COL2A1 c.3376G>A variant is predicted to result in the amino acid substitution p.Glu1126Lys. To our knowledge, this variant has not been reported in the literature. This variant is present in 0.0050% of alleles in individuals of East Asian descent in gnomAD. At this time, the clinical significance of this variant is uncertain due to the absence of conclusive functional and genetic evidence.

Labcorp Genetics (formerly Invitae), Labcorp
Classification: Uncertain significance. Last evaluated: 2024-11-02. Review status: criteria provided, single submitter. Criteria: Invitae Variant Classification Sherloc (09022015). Collection method: clinical testing. Allele origin: germline.
Comment: This sequence change replaces glutamic acid, which is acidic and polar, with lysine, which is basic and polar, at codon 1126 of the COL2A1 protein (p.Glu1126Lys). This variant is present in population databases (rs762592219, gnomAD 0.005%). This variant has not been reported in the literature in individuals affected with COL2A1-related conditions. ClinVar contains an entry for this variant (Variation ID: 844122). Invitae Evidence Modeling of protein sequence and biophysical properties (such as structural, functional, and spatial information, amino acid conservation, physicochemical variation, residue mobility, and thermodynamic stability) has been performed for this missense variant. However, the output from this modeling did not meet the statistical confidence thresholds required to predict the impact of this variant on COL2A1 protein function. In summary, the available evidence is currently insufficient to determine the role of this variant in disease. Therefore, it has been classified as a Variant of Uncertain Significance.

GeneDx
Classification: Uncertain significance. Last evaluated: 2019-03-25. Review status: criteria provided, single submitter. Criteria: GeneDx Variant Classification Process June 2021. Collection method: clinical testing. Allele origin: germline. Affected: yes.
Comment: Has not been previously published as pathogenic or benign to our knowledge; Occurs in the triple helical domain at the X position in the canonical Gly-X-Y repeat. Although this variant may have an effect on normal protein folding and function, missense substitution at the X position is not a common mechanism of disease; In silico analysis, which includes protein predictors and evolutionary conservation, supports that this variant does not alter protein structure/function; Not observed at a significant frequency in large population cohorts (Lek et al., 2016)